The following is an entry in ClinVar:

NM_001082486.1(ACD):c.38T>C (p.Val13Ala)

Gene: ACD (ACD shelterin complex subunit and telomerase recruitment factor; minus strand). Cytogenetic location: 16q22.1.
Variant type: single nucleotide variant.
Coding change: c.38T>C on transcript NM_001082486.1; coding-DNA position 38, T replaced by C.
Protein change: p.Val13Ala; replaces valine 13 with alanine.
Genome position (GRCh38, 1-based): chr16:67,660,441, A>G on the plus strand (T>C on the coding strand, the complement: ACD is on the minus strand). VCF-style: chr16-67660441-A-G. GRCh37 (hg19) VCF-style: chr16-67694344-A-G.
Other names: short protein forms V13A.
Identifiers: ClinVar variation 1736012 (VCV001736012.3), dbSNP rs757375976, ClinGen allele CA8114947.
Genomic context (GRCh38, chr16:67,660,441, plus strand): 5'-GGGCCTGTGTGCAGACTCCCGCTGGTCCACCCCGCTGGTGCACGGGATGCTGGCCCGTTT[A>G]CTCTCATCGCGGCGTCACTCTGACAGCGGCCAGGCATTTGGGCCGTTCGTCAAGATTCCT-3'

ClinVar aggregate classification (germline): Uncertain significance (1 of 4 stars; one submission).

Conditions:
Inborn genetic diseases. Identifiers: MedGen C0950123, MeSH D030342.

Allele frequency attached by ClinVar (database versions not stated): ExAC 0.00001; gnomAD exomes 0.00001.

Submission:

Ambry Genetics
Classification: Uncertain significance for Inborn genetic diseases. Last evaluated: 2024-09-02. Review status: criteria provided, single submitter. Criteria: Ambry Variant Classification Scheme 2023. Collection method: clinical testing. Allele origin: germline.
Comment: The p.V13A variant (also known as c.38T>C), located in coding exon 1 of the ACD gene, results from a T to C substitution at nucleotide position 38. The valine at codon 13 is replaced by alanine, an amino acid with similar properties. This amino acid position is conserved. In addition, this alteration is predicted to be tolerated by in silico analysis. Since supporting evidence is limited at this time, the clinical significance of this alteration remains unclear.